The following is an entry in ClinVar:

ClinVar aggregate classification (germline): Pathogenic (1 of 4 stars; one submission).

Submission:

Labcorp Genetics (formerly Invitae), Labcorp
Classification: Pathogenic. Last evaluated: 2024-05-23. Review status: criteria provided, single submitter. Criteria: Invitae Variant Classification Sherloc (09022015). Collection method: clinical testing. Allele origin: germline.
Comment: This sequence change creates a premature translational stop signal (p.Ala813Serfs*11) in the ABCC6 gene. It is expected to result in an absent or disrupted protein product. Loss-of-function variants in ABCC6 are known to be pathogenic (PMID: 11536079, 17617515). This variant is not present in population databases (gnomAD no frequency). This premature translational stop signal has been observed in individual(s) with pseudoxanthoma elasticum (PMID: 33812167). For these reasons, this variant has been classified as Pathogenic.

Literature cited by the submitters: PubMed 11536079; PubMed 17617515; PubMed 33812167.

NM_001171.6(ABCC6):c.2437_2440del (p.Ala813fs)

Gene: ABCC6 (ATP binding cassette subfamily C member 6; minus strand). Cytogenetic location: 16p13.11.
Variant type: Microsatellite.
Coding change: c.2437_2440del on transcript NM_001171.6 (MANE Select); coding-DNA positions 2437 to 2440, 4 bases deleted (GCAC; older notation c.2437_2440delGCAC).
Protein change: p.Ala813fs; shifts the reading frame from alanine 813.
Molecular consequence: frameshift variant.
Genome position (GRCh38, 1-based): chr16:16,177,602-16,177,605, GTGC deleted on the plus strand (GCAC on the coding strand, the reverse complement: ABCC6 is on the minus strand); deleting any 4 consecutive bases within chr16:16,177,602-16,177,611 gives the same sequence; the c. name uses the placement nearest the transcript's 3' end. VCF-style (leftmost placement, unchanged base first): chr16-16177601-AGTGC-A. GRCh37 (hg19) VCF-style: chr16-16271458-AGTGC-A.
Other names: c.2095_2098del, p.Ala699fs (NM_001351800.1); short protein forms A699fs, A813fs.
Identifiers: ClinVar variation 3620706 (VCV003620706.2).